The following is an entry in ClinVar:

ClinVar aggregate classification (germline): Likely pathogenic (1 of 4 stars; one submission).

Conditions:
Osteogenesis imperfecta type 6. Also called: Osteogenesis imperfecta, type VI. Identifiers: Orphanet 666, MedGen C3279564, MONDO:0013515, OMIM 613982.

Submission:

Laboratorio de Genetica e Diagnostico Molecular, Hospital Israelita Albert Einstein
Classification: Likely pathogenic for Osteogenesis imperfecta type 6. Last evaluated: 2024-08-16. Review status: criteria provided, single submitter. Criteria: ACMG Guidelines, 2015. Collection method: clinical testing. Allele origin: germline. Affected: yes.
Comment: ACMG classification criteria: PVS1 very strong, PM2 supporting

NM_001329904.2(SERPINF1):c.-477-2945_-477-2932del

Gene: SERPINF1 (serpin family F member 1; plus strand). Cytogenetic location: 17p13.3.
Variant type: Deletion.
Coding change: c.-477-2945_-477-2932del on transcript NM_001329904.2; 2945 bases into the intron before 477 bases upstream of the start codon through 2932 bases into the intron before 477 bases upstream of the start codon, 14 bases deleted (CAGGATGCAGGCCC).
Molecular consequence: intron variant. On other transcripts: splice acceptor variant (1), initiator codon variant (1).
Genome position (GRCh38, 1-based): chr17:1,766,907-1,766,920, CAGGATGCAGGCCC deleted; deleting any 14 consecutive bases within chr17:1,766,898-1,766,920 gives the same sequence; the c. name uses the placement nearest the transcript's 3' end. VCF-style (leftmost placement, unchanged base first): chr17-1766897-TTGCAGGCCCCAGGA-T. GRCh37 (hg19) VCF-style: chr17-1670191-TTGCAGGCCCCAGGA-T.
Other names: c.-4_10del (NM_002615.7).
Identifiers: ClinVar variation 4076400 (VCV004076400.1).